The following is an entry in ClinVar:

NM_000264.5(PTCH1):c.203G>A (p.Gly68Glu)

Gene: PTCH1 (patched 1; minus strand). Cytogenetic location: 9q22.32.
Variant type: single nucleotide variant.
Coding change: c.203G>A on transcript NM_000264.5 (MANE Select); coding-DNA position 203, G replaced by A.
Protein change: p.Gly68Glu; replaces glycine 68 with glutamic acid.
Molecular consequence: missense variant. On other transcripts: 5 prime UTR variant (4), non-coding transcript variant (1).
Genome position (GRCh38, 1-based): chr9:95,506,598, C>T on the plus strand (G>A on the coding strand, the complement: PTCH1 is on the minus strand). VCF-style: chr9-95506598-C-T. GRCh37 (hg19) VCF-style: chr9-98268880-C-T.
Other names: c.5G>A, p.Gly2Glu (NM_001083602.3, NM_001354919.2); c.200G>A, p.Gly67Glu (NM_001083603.3); c.-251G>A (NM_001083604.3, NM_001083605.3, NM_001083606.3 and 1 more transcripts); c.203G>A, p.Gly68Glu (NM_001354918.2); c.203G>A (NM_000264.4); short protein forms G2E, G68E, G67E.
Identifiers: ClinVar variation 620601 (VCV000620601.19), dbSNP rs757430199, ClinGen allele CA5139001.

ClinVar aggregate classification (germline): Conflicting classifications of pathogenicity. Review status: criteria provided, conflicting classifications (1 of 4 stars). 8 submissions from 7 submitters: Uncertain significance (7); Likely benign (1). Last evaluated 2026-07-21.

Conditions:
Basal cell carcinoma, susceptibility to, 1. Also called: BCC1. Identifiers: MedGen C2751544, MONDO:0011556, OMIM 605462.
Holoprosencephaly 7 (HPE7). Identifiers: Orphanet 2162, MedGen C1835820, MONDO:0012562, OMIM 610828.
Gorlin syndrome. Also called: Basal cell nevus syndrome; Nevoid Basal Cell Carcinoma Syndrome. Identifiers: Orphanet 377, MedGen C0004779, MONDO:0007187.
Craniopharyngioma. Also called: Rathke's pouch tumor; Craniopharyngeal duct tumor; Adamantinomatous tumor; Dysodontogenic epithelial tumor. Identifiers: Orphanet 54595, MedGen C0010276, MeSH D003397, MONDO:0018907, HP:0030062.
PTCH1-related disorder. Also called: PTCH1-related disorders; PTCH1-related condition.
Basal cell nevus syndrome 1 (BCNS1). Also called: GORLIN-GOLTZ SYNDROME; MULTIPLE BASAL CELL NEVI, ODONTOGENIC KERATOCYSTS, AND SKELETAL ANOMALIES. Identifiers: MedGen CN376810, MONDO:0958174, OMIM 109400.
Hereditary cancer-predisposing syndrome. Also called: Neoplastic Syndromes, Hereditary; Tumor predisposition; Hereditary neoplastic syndrome; Hereditary Cancer Syndrome. Identifiers: Orphanet 140162, MedGen C0027672, MeSH D009386, MONDO:0015356.

Allele frequency attached by ClinVar (database versions not stated): ExAC 0.00001; gnomAD 0.00001; gnomAD exomes 0.00001 and 0.00002; TOPMed 0.00001.
gnomAD v4.1: 36 of 1,610,926 alleles (0.0022%); highest among the groups gnomAD compares: Non-Finnish European, 0.0031%; no homozygotes.

Submissions (8):

PreventionGenetics, part of Exact Sciences
Classification: Uncertain significance for PTCH1-related condition. Last evaluated: 2026-07-21. Review status: criteria provided, single submitter. Criteria: ACMG Guidelines, 2015. Collection method: clinical testing. Allele origin: germline.
Comment: The PTCH1 c.203G>A variant is predicted to result in the amino acid substitution p.Gly68Glu. This variant has been reported as uncertain in an individual an adamantinomatous craniopharyngioma (Table S9, Newman et al. 2021. PubMed ID: 34301788) and in an individual with breast cancer (Table S5, Dumont et al. 2022. PubMed ID: 35884425). This variant is reported in 0.0027% of alleles in individuals of European (non-Finnish) descent in gnomAD and has conflicting interpretations in ClinVar ranging from likely benign to uncertain (Variation ID: 620601). At this time, the clinical significance of this variant is uncertain due to the absence of conclusive functional and genetic evidence.

St. Jude Molecular Pathology, St. Jude Children's Research Hospital
Classification: Uncertain significance for Basal cell nevus syndrome 1. Last evaluated: 2026-02-20. Review status: criteria provided, single submitter. Criteria: St. Jude Assertion Criteria 2020. Collection method: clinical testing. Allele origin: germline.
Comment: The PTCH1 c.203G>A p.(Gly68Glu) missense change has a maximum subpopulation frequency of 0.0027% in gnomAD v2.1.1. The in silico tool REVEL predicts a deleterious effect on protein function, but to our knowledge this prediction has not been confirmed by functional studies. To our knowledge, this variant has not been reported in individuals with nevoid basal cell carcinoma syndrome. In summa ry, the evidence currently available is insufficient to determine the clinical significance of this variant. It has therefore been classified as of uncertain significance.

Labcorp Genetics (formerly Invitae), Labcorp
Classification: Uncertain significance for Gorlin syndrome. Last evaluated: 2025-11-11. Review status: criteria provided, single submitter. Criteria: Invitae Variant Classification Sherloc (09022015). Collection method: clinical testing. Allele origin: germline.
Comment: This sequence change replaces glycine, which is neutral and non-polar, with glutamic acid, which is acidic and polar, at codon 68 of the PTCH1 protein (p.Gly68Glu). This variant is present in population databases (rs757430199, gnomAD 0.003%). This missense change has been observed in individual(s) with craniopharyngioma (PMID: 34301788). ClinVar contains an entry for this variant (Variation ID: 620601). Invitae Evidence Modeling of protein sequence and biophysical properties (such as structural, functional, and spatial information, amino acid conservation, physicochemical variation, residue mobility, and thermodynamic stability) has been performed for this missense variant. However, the output from this modeling did not meet the statistical confidence thresholds required to predict the impact of this variant on PTCH1 protein function. In summary, the available evidence is currently insufficient to determine the role of this variant in disease. Therefore, it has been classified as a Variant of Uncertain Significance.

Quest Diagnostics Nichols Institute San Juan Capistrano
Classification: Uncertain significance. Last evaluated: 2024-11-02. Review status: criteria provided, single submitter. Criteria: Quest Diagnostics criteria. Collection method: clinical testing. Allele origin: unknown.
Comment: The PTCH1 c.203G>A (p.Gly68Glu) variant has been reported in the published literature in an individual affected with breast cancer (PMID: 35884425 (2022)) as well as a pediatric individual affected with an adamantinomatous craniopharyngioma (PMID: 34301788 (2021)). The frequency of this variant in the general population, 0.000027 (3/111454 chromosomes (Genome Aggregation Database)), is uninformative in the assessment of its pathogenicity. Analysis of this variant using bioinformatics tools for the prediction of the effect of amino acid changes on protein structure and function yielded predictions that this variant is damaging. Based on the available information, we are unable to determine the clinical significance of this variant.

GeneDx
Classification: Uncertain significance. Last evaluated: 2024-09-23. Review status: criteria provided, single submitter. Criteria: GeneDx Variant Classification Process June 2021. Collection method: clinical testing. Allele origin: germline. Affected: yes.
Comment: Not observed at significant frequency in large population cohorts (gnomAD); In silico analysis supports that this missense variant has a deleterious effect on protein structure/function; Has not been previously published as pathogenic or benign to our knowledge; This variant is associated with the following publications: (PMID: 33077954)

Ambry Genetics
Classification: Likely benign for Hereditary cancer-predisposing syndrome. Last evaluated: 2022-09-28. Review status: criteria provided, single submitter. Criteria: Ambry Variant Classification Scheme 2023. Collection method: clinical testing. Allele origin: germline.

Fulgent Genetics
Classification: Uncertain significance for Basal cell nevus syndrome 1; Basal cell carcinoma, susceptibility to, 1; Holoprosencephaly 7. Last evaluated: 2021-09-23. Review status: criteria provided, single submitter. Criteria: ACMG Guidelines, 2015. Collection method: clinical testing. Allele origin: unknown.

St. Jude Molecular Pathology, St. Jude Children's Research Hospital
Classification: Uncertain significance for Craniopharyngioma. Last evaluated: 2016-10-31. Review status: criteria provided, single submitter. Criteria: ACMG Guidelines, 2015. Collection method: clinical testing. Allele origin: germline. Affected: yes.

Literature cited by the submitters: PubMed 34301788 (cited by Labcorp Genetics (formerly Invitae), Labcorp and Quest Diagnostics Nichols Institute San Juan Capistrano); PubMed 35884425 (cited by Quest Diagnostics Nichols Institute San Juan Capistrano).